The following is an entry in ClinVar:

ClinVar aggregate classification (germline): Uncertain significance (1 of 4 stars; one submission).

gnomAD v4.1: 1 of 1,612,864 alleles (0.000062%); no homozygotes.

Submission:

Labcorp Genetics (formerly Invitae), Labcorp
Classification: Uncertain significance. Last evaluated: 2025-03-10. Review status: criteria provided, single submitter. Criteria: Invitae Variant Classification Sherloc (09022015). Collection method: clinical testing. Allele origin: germline.
Comment: This sequence change replaces proline, which is neutral and non-polar, with histidine, which is basic and polar, at codon 90 of the A4GALT protein (p.Pro90His). This variant is not present in population databases (gnomAD no frequency). This variant has not been reported in the literature in individuals affected with A4GALT-related conditions. ClinVar contains an entry for this variant (Variation ID: 2844062). An algorithm developed to predict the effect of missense changes on protein structure and function (PolyPhen-2) suggests that this variant is likely to be disruptive. In summary, the available evidence is currently insufficient to determine the role of this variant in disease. Therefore, it has been classified as a Variant of Uncertain Significance.

NM_017436.7(A4GALT):c.269C>A (p.Pro90His)

Gene: A4GALT (alpha 1,4-galactosyltransferase (P1PK blood group); minus strand). Cytogenetic location: 22q13.2.
Variant type: single nucleotide variant.
Coding change: c.269C>A on transcript NM_017436.7 (MANE Select); coding-DNA position 269, C replaced by A.
Protein change: p.Pro90His; replaces proline 90 with histidine.
Molecular consequence: missense variant.
Genome position (GRCh38, 1-based): chr22:42,693,683, G>T on the plus strand (C>A on the coding strand, the complement: A4GALT is on the minus strand). VCF-style: chr22-42693683-G-T. GRCh37 (hg19) VCF-style: chr22-43089689-G-T.
Other names: c.269C>A, p.Pro90His (NM_001318038.3); short protein forms P90H.
Identifiers: ClinVar variation 2844062 (VCV002844062.3), dbSNP rs1276227550, ClinGen allele CA411812687.